The following is an entry in ClinVar:

NM_152383.5(DIS3L2):c.916G>A (p.Val306Met)

Gene: DIS3L2 (DIS3 like 3'-5' exoribonuclease 2; plus strand). Cytogenetic location: 2q37.1.
Variant type: single nucleotide variant.
Coding change: c.916G>A on transcript NM_152383.5 (MANE Select); coding-DNA position 916, G replaced by A.
Protein change: p.Val306Met; replaces valine 306 with methionine.
Molecular consequence: missense variant. On other transcripts: non-coding transcript variant (1).
Genome position (GRCh38, 1-based): chr2:232,136,685, G>A. VCF-style: chr2-232136685-G-A. GRCh37 (hg19) VCF-style: chr2-233001395-G-A.
Other names: c.916G>A, p.Val306Met (NM_001257281.2); short protein forms V306M.
Identifiers: ClinVar variation 841033 (VCV000841033.10), dbSNP rs1698368090, ClinGen allele CA351153869.

ClinVar aggregate classification (germline): Uncertain significance (1 of 4 stars; one submission).

Conditions:
Perlman syndrome (PRLMNS). Identifiers: Orphanet 2849, MedGen C0796113, MONDO:0009965, OMIM 267000.

Allele frequency attached by ClinVar (database versions not stated): gnomAD 0.00001.
gnomAD v4.1: 1 of 1,613,846 alleles (0.000062%); highest among the groups gnomAD compares: Non-Finnish European, 0.000085%; no homozygotes.

Submission:

Labcorp Genetics (formerly Invitae), Labcorp
Classification: Uncertain significance for Perlman syndrome. Last evaluated: 2019-12-12. Review status: criteria provided, single submitter. Criteria: Invitae Variant Classification Sherloc (09022015). Collection method: clinical testing. Allele origin: germline.
Comment: This sequence change replaces valine with methionine at codon 306 of the DIS3L2 protein (p.Val306Met). The valine residue is weakly conserved and there is a small physicochemical difference between valine and methionine. This variant is not present in population databases (ExAC no frequency). This variant has not been reported in the literature in individuals with DIS3L2-related conditions. Algorithms developed to predict the effect of missense changes on protein structure and function output the following: SIFT: "Tolerated"; PolyPhen-2: "Benign"; Align-GVGD: "Class C0". The methionine amino acid residue is found in multiple mammalian species, suggesting that this missense change does not adversely affect protein function. These predictions have not been confirmed by published functional studies and their clinical significance is uncertain. In summary, the available evidence is currently insufficient to determine the role of this variant in disease. Therefore, it has been classified as a Variant of Uncertain Significance.